The following is an entry in ClinVar:

NM_001376.5(DYNC1H1):c.12190A>C (p.Thr4064Pro)

Gene: DYNC1H1 (dynein cytoplasmic 1 heavy chain 1; plus strand). Cytogenetic location: 14q32.31.
Variant type: single nucleotide variant.
Coding change: c.12190A>C on transcript NM_001376.5 (MANE Select); coding-DNA position 12190, A replaced by C.
Protein change: p.Thr4064Pro; replaces threonine 4064 with proline.
Molecular consequence: missense variant.
Genome position (GRCh38, 1-based): chr14:102,042,100, A>C. VCF-style: chr14-102042100-A-C. GRCh37 (hg19) VCF-style: chr14-102508437-A-C.
Other names: short protein forms T4064P.
Identifiers: ClinVar variation 2632516 (VCV002632516.1), dbSNP rs1333350891, ClinGen allele CA391038823.

ClinVar aggregate classification (germline): Uncertain significance (1 of 4 stars; one submission).

Conditions:
DYNC1H1-related disorder. Also called: DYNC1H1-related condition; DYNC1H1-related disorders. Identifiers: MedGen CN381529.

Submission:

PreventionGenetics, part of Exact Sciences
Classification: Uncertain significance for DYNC1H1-related condition. Last evaluated: 2023-05-20. Review status: criteria provided, single submitter. Criteria: ACMG Guidelines, 2015. Collection method: clinical testing. Allele origin: germline.
Comment: The DYNC1H1 c.12190A>C variant is predicted to result in the amino acid substitution p.Thr4064Pro. To our knowledge, this variant has not been reported in the literature or in a large population database, indicating this variant is rare. At this time, the clinical significance of this variant is uncertain due to the absence of conclusive functional and genetic evidence.